The following is an entry in ClinVar:

NM_144997.7(FLCN):c.1085G>T (p.Arg362Leu)

Gene: FLCN (folliculin; minus strand). Cytogenetic location: 17p11.2.
Variant type: single nucleotide variant.
Coding change: c.1085G>T on transcript NM_144997.7 (MANE Select); coding-DNA position 1085, G replaced by T.
Protein change: p.Arg362Leu; replaces arginine 362 with leucine.
Molecular consequence: missense variant.
Genome position (GRCh38, 1-based): chr17:17,217,160, C>A on the plus strand (G>T on the coding strand, the complement: FLCN is on the minus strand). VCF-style: chr17-17217160-C-A. GRCh37 (hg19) VCF-style: chr17-17120474-C-A.
Other names: c.1139G>T, p.Arg380Leu (NM_001353229.2); c.1085G>T, p.Arg362Leu (NM_001353230.2, NM_001353231.2); c.1085G>T (LRG_325t1); short protein forms R362L, R380L.
Identifiers: ClinVar variation 232587 (VCV000232587.18), dbSNP rs559055296, ClinGen allele CA8416140.

ClinVar aggregate classification (germline): Conflicting classifications of pathogenicity. Review status: criteria provided, conflicting classifications (1 of 4 stars). 8 submissions from 8 submitters: Uncertain significance (5); Benign (1); Likely benign (2). Last evaluated 2026-03-19.

Conditions:
Familial spontaneous pneumothorax (PSP). Identifiers: Orphanet 2903, MedGen C1868193, MONDO:0008259, OMIM 173600.
Birt-Hogg-Dube syndrome 1 (BHD1). Also called: FIBROFOLLICULOMAS WITH TRICHODISCOMAS AND ACROCHORDONS. Identifiers: Orphanet 122, MedGen CN375946, MONDO:0800445, OMIM 135150.
Nonpapillary renal cell carcinoma. Identifiers: Orphanet 422526, MedGen CN074294, MONDO:0007763, OMIM 144700.
Colorectal cancer. Also called: Malignant Colorectal Neoplasm; Colorectal cancer, somatic. Identifiers: MedGen C0346629, MONDO:0005575, OMIM 114500.
FLCN-related disorder. Also called: FLCN-related condition.
Hereditary cancer-predisposing syndrome. Also called: Neoplastic Syndromes, Hereditary; Tumor predisposition; Hereditary Cancer Syndrome; Hereditary neoplastic syndrome. Identifiers: Orphanet 140162, MedGen C0027672, MeSH D009386, MONDO:0015356.
Ovarian cancer. Also called: OVARIAN CANCER, SOMATIC. Identifiers: Orphanet 213500, MedGen C1140680, MONDO:0008170, OMIM 167000.
Birt-Hogg-Dube syndrome. Also called: Birt Hogg Dubé syndrome. Identifiers: Orphanet 122, MedGen C0346010, MONDO:0800444.

Allele frequency attached by ClinVar (database versions not stated): ExAC 0.00001; TOPMed 0.00001; 1000 Genomes Project 30x 0.00016; 1000 Genomes Project 0.00020.
gnomAD v4.1: 8 of 1,613,860 alleles (0.0005%); highest among the groups gnomAD compares: East Asian, 0.0067%; no homozygotes.

Submissions (8):

PreventionGenetics, part of Exact Sciences
Classification: Uncertain significance for FLCN-related condition. Last evaluated: 2026-03-19. Review status: criteria provided, single submitter. Criteria: ACMG Guidelines, 2015. Collection method: clinical testing. Allele origin: germline.
Comment: The FLCN c.1085G>T variant is predicted to result in the amino acid substitution p.Arg362Leu. To our knowledge, this variant has not been reported in the literature. This variant is reported in 0.010% of alleles in individuals of East Asian descent in gnomAD and is classified as uncertain in ClinVar (Variation ID: 232587). Although we suspect that this variant may be benign, at this time, the clinical significance of this variant is uncertain due to the absence of conclusive functional and genetic evidence.

Myriad Genetics, Inc.
Classification: Likely benign for Birt-Hogg-Dube syndrome 1. Last evaluated: 2024-08-07. Review status: criteria provided, single submitter. Criteria: Myriad Autosomal Dominant, Autosomal Recessive and X-Linked Classification Criteria (2023). Collection method: clinical testing. Allele origin: unknown.
Comment: This variant is considered likely benign. This variant has been observed at a population frequency that is significantly greater than expected given the associated disease prevalence and penetrance.

Fulgent Genetics
Classification: Uncertain significance for Colorectal cancer; Birt-Hogg-Dube syndrome 1; Nonpapillary renal cell carcinoma; Familial spontaneous pneumothorax. Last evaluated: 2024-01-24. Review status: criteria provided, single submitter. Criteria: ACMG Guidelines, 2015. Collection method: clinical testing. Allele origin: germline.

Baylor Genetics
Classification: Uncertain significance for Birt-Hogg-Dube syndrome 1. Last evaluated: 2023-12-19. Review status: criteria provided, single submitter. Criteria: ACMG Guidelines, 2015. Collection method: clinical testing. Allele origin: unknown.

Labcorp Genetics (formerly Invitae), Labcorp
Classification: Uncertain significance for Birt-Hogg-Dube syndrome. Last evaluated: 2023-07-25. Review status: criteria provided, single submitter. Criteria: Invitae Variant Classification Sherloc (09022015). Collection method: clinical testing. Allele origin: germline.
Comment: In summary, the available evidence is currently insufficient to determine the role of this variant in disease. Therefore, it has been classified as a Variant of Uncertain Significance. Advanced modeling of protein sequence and biophysical properties (such as structural, functional, and spatial information, amino acid conservation, physicochemical variation, residue mobility, and thermodynamic stability) performed at Invitae indicates that this missense variant is not expected to disrupt FLCN protein function. ClinVar contains an entry for this variant (Variation ID: 232587). This variant has not been reported in the literature in individuals affected with FLCN-related conditions. This variant is present in population databases (rs559055296, gnomAD 0.01%). This sequence change replaces arginine, which is basic and polar, with leucine, which is neutral and non-polar, at codon 362 of the FLCN protein (p.Arg362Leu).

Ambry Genetics
Classification: Likely benign for Hereditary cancer-predisposing syndrome. Last evaluated: 2022-08-22. Review status: criteria provided, single submitter. Criteria: Ambry Variant Classification Scheme 2023. Collection method: clinical testing. Allele origin: germline.

Laboratory of Molecular Epidemiology of Birth Defects, West China Second University Hospital, Sichuan University
Classification: Benign for Ovarian cancer. Last evaluated: 2022-01-01. Review status: criteria provided, single submitter. Criteria: ACMG Guidelines, 2015. Collection method: clinical testing. Allele origin: germline. Affected: yes.

GeneDx
Classification: Uncertain significance. Last evaluated: 2019-04-19. Review status: criteria provided, single submitter. Criteria: GeneDx Variant Classification Process June 2021. Collection method: clinical testing. Allele origin: germline. Affected: yes.
Comment: Not observed at a significant frequency in large population cohorts (Lek et al., 2016); Has not been previously published as pathogenic or benign to our knowledge